The following is an entry in ClinVar:

NM_001621.5(AHR):c.1247C>G (p.Ala416Gly)

Gene: AHR (aryl hydrocarbon receptor; plus strand). Cytogenetic location: 7p21.1.
Variant type: single nucleotide variant.
Coding change: c.1247C>G on transcript NM_001621.5 (MANE Select); coding-DNA position 1247, C replaced by G.
Protein change: p.Ala416Gly; replaces alanine 416 with glycine.
Molecular consequence: missense variant.
Genome position (GRCh38, 1-based): chr7:17,339,072, C>G. VCF-style: chr7-17339072-C-G. GRCh37 (hg19) VCF-style: chr7-17378696-C-G.
Other names: short protein forms A416G.
Identifiers: ClinVar variation 2135906 (VCV002135906.1), dbSNP rs2534449108, ClinGen allele CA366893335.

ClinVar aggregate classification (germline): Uncertain significance (1 of 4 stars; one submission).

Submission:

Labcorp Genetics (formerly Invitae), Labcorp
Classification: Uncertain significance. Last evaluated: 2022-05-09. Review status: criteria provided, single submitter. Criteria: Invitae Variant Classification Sherloc (09022015). Collection method: clinical testing. Allele origin: germline.
Comment: This sequence change replaces alanine, which is neutral and non-polar, with glycine, which is neutral and non-polar, at codon 416 of the AHR protein (p.Ala416Gly). This variant is not present in population databases (gnomAD no frequency). This variant has not been reported in the literature in individuals affected with AHR-related conditions. Algorithms developed to predict the effect of missense changes on protein structure and function (SIFT, PolyPhen-2, Align-GVGD) all suggest that this variant is likely to be tolerated. In summary, the available evidence is currently insufficient to determine the role of this variant in disease. Therefore, it has been classified as a Variant of Uncertain Significance.